The following is an entry in ClinVar:

ClinVar aggregate classification (germline): Benign/Likely benign. Review status: criteria provided, multiple submitters, no conflicts (2 of 4 stars). 4 submissions from 4 submitters: Benign (1); Likely benign (3). Last evaluated 2026-01-31.

Conditions:
Hereditary cancer-predisposing syndrome. Also called: Hereditary neoplastic syndrome; Tumor predisposition; Hereditary Cancer Syndrome; Neoplastic Syndromes, Hereditary. Identifiers: Orphanet 140162, MedGen C0027672, MeSH D009386, MONDO:0015356.
Familial cancer of breast. Also called: Hereditary breast cancer; hereditary breast carcinoma; BREAST CANCER, FAMILIAL. Identifiers: Orphanet 227535, MedGen C0346153, MONDO:0016419, OMIM 114480. Disease mechanism: loss of function.

Allele frequency attached by ClinVar (database versions not stated): gnomAD exomes below 0.00001 and 0.00001; TOPMed 0.00002.

Submissions (4):

Labcorp Genetics (formerly Invitae), Labcorp
Classification: Likely benign for Familial cancer of breast. Last evaluated: 2026-01-31. Review status: criteria provided, single submitter. Criteria: Invitae Variant Classification Sherloc (09022015). Collection method: clinical testing. Allele origin: germline.

Myriad Genetics, Inc.
Classification: Benign for Familial cancer of breast. Last evaluated: 2025-01-16. Review status: criteria provided, single submitter. Criteria: Myriad Autosomal Dominant, Autosomal Recessive and X-Linked Classification Criteria (2023). Collection method: clinical testing. Allele origin: unknown.
Comment: This variant is considered benign. This variant is a silent/synonymous amino acid change and it is not expected to impact splicing.

Ambry Genetics
Classification: Likely benign for Hereditary cancer-predisposing syndrome. Last evaluated: 2022-01-25. Review status: criteria provided, single submitter. Criteria: Ambry Variant Classification Scheme 2023. Collection method: clinical testing. Allele origin: germline.

Color Diagnostics, LLC DBA Color Health
Classification: Likely benign for Hereditary cancer-predisposing syndrome. Last evaluated: 2017-03-13. Review status: criteria provided, single submitter. Criteria: ACMG Guidelines, 2015. Collection method: clinical testing. Allele origin: germline.

NM_024675.4(PALB2):c.2556A>G (p.Pro852=)

Gene: PALB2 (partner and localizer of BRCA2; minus strand). Cytogenetic location: 16p12.2.
Variant type: single nucleotide variant.
Coding change: c.2556A>G on transcript NM_024675.4 (MANE Select); coding-DNA position 2556, A replaced by G.
Protein change: p.Pro852=; no amino-acid change (proline 852 retained).
Molecular consequence: synonymous variant.
Genome position (GRCh38, 1-based): chr16:23,629,234, T>C on the plus strand (A>G on the coding strand, the complement: PALB2 is on the minus strand). VCF-style: chr16-23629234-T-C. GRCh37 (hg19) VCF-style: chr16-23640555-T-C.
Identifiers: ClinVar variation 492189 (VCV000492189.17), dbSNP rs1256170688, ClinGen allele CA494163400.